The following is an entry in ClinVar:

ClinVar aggregate classification (germline): Uncertain significance (1 of 4 stars; one submission).

Conditions:
Cardiomyopathy (CMYO). Also called: Cardiomyopathies. Identifiers: Orphanet 167848, MedGen C0878544, MONDO:0004994, HP:0001638. Inheritance: Various modes of inheritance.

Submission:

Color Diagnostics, LLC DBA Color Health
Classification: Uncertain significance for Cardiomyopathy. Last evaluated: 2023-12-11. Review status: criteria provided, single submitter. Criteria: ACMG Guidelines, 2015. Collection method: clinical testing. Allele origin: germline.
Comment: This missense variant replaces aspartic acid with valine at codon 2673 of the DSP protein. Computational prediction is inconclusive regarding the impact of this variant on protein structure and function (internally defined REVEL score threshold 0.5 < inconclusive < 0.7, PMID: 27666373). To our knowledge, functional studies have not been reported for this variant. This variant has not been reported in individuals affected with DSP-related disorders in the literature. This variant has not been identified in the general population by the Genome Aggregation Database (gnomAD). The available evidence is insufficient to determine the role of this variant in disease conclusively. Therefore, this variant is classified as a Variant of Uncertain Significance.

NM_004415.4(DSP):c.8018A>T (p.Asp2673Val)

Gene: DSP (desmoplakin; plus strand). Cytogenetic location: 6p24.3.
Variant type: single nucleotide variant.
Coding change: c.8018A>T on transcript NM_004415.4 (MANE Select); coding-DNA position 8018, A replaced by T.
Protein change: p.Asp2673Val; replaces aspartic acid 2673 with valine.
Molecular consequence: missense variant.
Genome position (GRCh38, 1-based): chr6:7,585,280, A>T. VCF-style: chr6-7585280-A-T. GRCh37 (hg19) VCF-style: chr6-7585513-A-T.
Other names: c.6221A>T, p.Asp2074Val (NM_001008844.3); c.6689A>T, p.Asp2230Val (NM_001319034.2); short protein forms D2074V, D2673V, D2230V.
Identifiers: ClinVar variation 2775373 (VCV002775373.2), dbSNP rs2533949105, ClinGen allele CA362694268.